The following is an entry in ClinVar:

NM_001127671.2(LIFR):c.*1840C>G

Gene: LIFR (LIF receptor subunit alpha; minus strand). Cytogenetic location: 5p13.1.
Variant type: single nucleotide variant.
Coding change: c.*1840C>G on transcript NM_001127671.2 (MANE Select); 1840 bases downstream of the stop codon, C replaced by G.
Molecular consequence: 3 prime UTR variant.
Genome position (GRCh38, 1-based): chr5:38,479,755, G>C on the plus strand (C>G on the coding strand, the complement: LIFR is on the minus strand). VCF-style: chr5-38479755-G-C. GRCh37 (hg19) VCF-style: chr5-38479857-G-C.
Other names: c.*1840C>G (NM_001364297.2, NM_001364298.2, NM_002310.6).
Identifiers: ClinVar variation 906324 (VCV000906324.4), dbSNP rs190209875, ClinGen allele CA117132688.

ClinVar aggregate classification (germline): Benign (1 of 4 stars; one submission).

Conditions:
Stuve-Wiedemann syndrome (STWS). Also called: Stüve-Wiedemann syndrome. Identifiers: Orphanet 3206, MedGen C0796176, MONDO:0031280.

Allele frequency attached by ClinVar (database versions not stated): gnomAD 0.00053 and 0.00131; TOPMed 0.00083; gnomAD exomes 0.00115; 1000 Genomes Project 0.00619; 1000 Genomes Project 30x 0.00656.
gnomAD v4.1: 292 of 231,762 alleles (0.13%); highest among the groups gnomAD compares: South Asian, 2.3%; 2 homozygotes.

Submission:

Illumina Laboratory Services, Illumina
Classification: Benign for Stüve-Wiedemann syndrome 1. Last evaluated: 2018-01-13. Review status: criteria provided, single submitter. Criteria: ICSL Variant Classification Criteria 13 December 2019. Collection method: clinical testing. Allele origin: germline.
Comment: This variant was observed in the ICSL laboratory as part of a predisposition screen in an ostensibly healthy population. It had not been previously curated by ICSL or reported in the Human Gene Mutation Database (HGMD: prior to June 1st, 2018), and was therefore a candidate for classification through an automated scoring system. Utilizing variant allele frequency, disease prevalence and penetrance estimates, and inheritance mode, an automated score was calculated to assess if this variant is too frequent to cause the disease. Based on the score and internal cut-off values, a variant classified as benign is not then subjected to further curation. The score for this variant resulted in a classification of benign for this disease.